The following is an entry in ClinVar:

ClinVar aggregate classification (germline): Pathogenic (1 of 4 stars; one submission).

Conditions:
Bardet-Biedl syndrome (BBS). Identifiers: Orphanet 110, MedGen C0752166, MONDO:0015229.

gnomAD v4.1: 2 of 1,613,368 alleles (0.00012%); highest among the groups gnomAD compares: Non-Finnish European, 0.00017%; no homozygotes.

Submission:

Labcorp Genetics (formerly Invitae), Labcorp
Classification: Pathogenic for Bardet-Biedl syndrome. Last evaluated: 2025-01-19. Review status: criteria provided, single submitter. Criteria: Invitae Variant Classification Sherloc (09022015). Collection method: clinical testing. Allele origin: germline.
Comment: This sequence change creates a premature translational stop signal (p.Trp217*) in the TTC8 gene. It is expected to result in an absent or disrupted protein product. Loss-of-function variants in TTC8 are known to be pathogenic (PMID: 16308660, 16877420, 19797195, 21052717, 30886724). This variant is not present in population databases (gnomAD no frequency). This variant has not been reported in the literature in individuals affected with TTC8-related conditions. For these reasons, this variant has been classified as Pathogenic.

Literature cited by the submitters: PubMed 16308660; PubMed 16877420; PubMed 19797195; PubMed 21052717; PubMed 30886724.

NM_144596.4(TTC8):c.680G>A (p.Trp227Ter)

Gene: TTC8 (tetratricopeptide repeat domain 8; plus strand). Cytogenetic location: 14q31.3.
Variant type: single nucleotide variant.
Coding change: c.680G>A on transcript NM_144596.4 (MANE Select); coding-DNA position 680, G replaced by A.
Protein change: p.Trp227Ter; replaces tryptophan 227 with a stop codon.
Molecular consequence: nonsense. On other transcripts: non-coding transcript variant (1), 5 prime UTR variant (1).
Genome position (GRCh38, 1-based): chr14:88,853,026, G>A. VCF-style: chr14-88853026-G-A. GRCh37 (hg19) VCF-style: chr14-89319370-G-A.
Other names: c.650G>A, p.Trp217Ter (NM_198309.3, NM_001366535.2); c.560G>A, p.Trp187Ter (NM_198310.3, NM_001366536.2); c.728G>A, p.Trp243Ter (NM_001288781.1); c.86G>A, p.Trp29Ter (NM_001288782.1); c.-38G>A (NM_001288783.1); short protein forms W227*, W243*, W187*, W217*, W29*.
Identifiers: ClinVar variation 3726697 (VCV003726697.2).